The following is an entry in ClinVar:

NM_002241.5(KCNJ10):c.254T>C (p.Val85Ala)

Gene: KCNJ10 (potassium inwardly rectifying channel subfamily J member 10; minus strand). Cytogenetic location: 1q23.2.
Variant type: single nucleotide variant.
Coding change: c.254T>C on transcript NM_002241.5 (MANE Select); coding-DNA position 254, T replaced by C.
Protein change: p.Val85Ala; replaces valine 85 with alanine.
Molecular consequence: missense variant.
Genome position (GRCh38, 1-based): chr1:160,042,279, A>G on the plus strand (T>C on the coding strand, the complement: KCNJ10 is on the minus strand). VCF-style: chr1-160042279-A-G. GRCh37 (hg19) VCF-style: chr1-160012069-A-G.
Other names: short protein forms V85A.
Identifiers: ClinVar variation 3393601 (VCV003393601.1).

ClinVar aggregate classification (germline): Uncertain significance (1 of 4 stars; one submission).

Submission:

GeneDx
Classification: Uncertain significance. Last evaluated: 2024-07-03. Review status: criteria provided, single submitter. Criteria: GeneDx Variant Classification Process June 2021. Collection method: clinical testing. Allele origin: germline. Affected: yes.
Comment: Not observed at significant frequency in large population cohorts (gnomAD); In silico analysis indicates that this missense variant does not alter protein structure/function; Has not been previously published as pathogenic or benign to our knowledge